The following is an entry in ClinVar:

NM_001134363.3(RBM20):c.807C>G (p.His269Gln)

Gene: RBM20 (RNA binding motif protein 20; plus strand). Cytogenetic location: 10q25.2.
Variant type: single nucleotide variant.
Coding change: c.807C>G on transcript NM_001134363.3 (MANE Select); coding-DNA position 807, C replaced by G.
Protein change: p.His269Gln; replaces histidine 269 with glutamine.
Molecular consequence: missense variant.
Genome position (GRCh38, 1-based): chr10:110,781,416, C>G. VCF-style: chr10-110781416-C-G. GRCh37 (hg19) VCF-style: chr10-112541174-C-G.
Other names: short protein forms H269Q.
Identifiers: ClinVar variation 1761894 (VCV001761894.6), dbSNP rs1844344727, ClinGen allele CA378383416.
Genomic context (GRCh38, chr10:110,781,416, plus strand): 5'-CTTCCTGCCATCCTCGGCCTCAACCTCGGGCAGTGTGACCTATGAAGGGCACTACAGCCA[C>G]ACAGGGCAGGATGGTCAAGCTGCCTTTTCCAAAGATTTTTACGGACCCAACTCCCAAGGT-3'
Protein context (NP_001127835.2, residues 259-279): GSVTYEGHYS[His269Gln]TGQDGQAAFS

ClinVar aggregate classification (germline): Uncertain significance. Review status: criteria provided, multiple submitters, no conflicts (2 of 4 stars). 3 submissions from 3 submitters: Uncertain significance (3). Last evaluated 2025-01-21.

Conditions:
Dilated cardiomyopathy 1DD (CMD1DD). Identifiers: Orphanet 154, MedGen C2750995, MONDO:0013168, OMIM 613172.
Cardiovascular phenotype. Identifiers: MedGen CN230736.

Allele frequency attached by ClinVar (database versions not stated): gnomAD exomes below 0.00001.
gnomAD v4.1: 1 of 1,551,706 alleles (0.000064%); highest among the groups gnomAD compares: Non-Finnish European, 0.000087%; no homozygotes.

Submissions (3):

Ambry Genetics
Classification: Uncertain significance for Cardiovascular phenotype. Last evaluated: 2025-01-21. Review status: criteria provided, single submitter. Criteria: Ambry Variant Classification Scheme 2023. Collection method: clinical testing. Allele origin: germline.
Comment: The p.H269Q variant (also known as c.807C>G), located in coding exon 2 of the RBM20 gene, results from a C to G substitution at nucleotide position 807. The histidine at codon 269 is replaced by glutamine, an amino acid with highly similar properties. This amino acid position is not well conserved in available vertebrate species, and glutamine is the reference amino acid in other vertebrate species. In addition, this alteration is predicted to be tolerated by in silico analysis. Since supporting evidence is limited at this time, the clinical significance of this alteration remains unclear.

Labcorp Genetics (formerly Invitae), Labcorp
Classification: Uncertain significance for Dilated cardiomyopathy 1DD. Last evaluated: 2024-02-05. Review status: criteria provided, single submitter. Criteria: Invitae Variant Classification Sherloc (09022015). Collection method: clinical testing. Allele origin: germline.
Comment: This sequence change replaces histidine, which is basic and polar, with glutamine, which is neutral and polar, at codon 269 of the RBM20 protein (p.His269Gln). This variant is not present in population databases (gnomAD no frequency). This variant has not been reported in the literature in individuals affected with RBM20-related conditions. ClinVar contains an entry for this variant (Variation ID: 1761894). Advanced modeling of protein sequence and biophysical properties (such as structural, functional, and spatial information, amino acid conservation, physicochemical variation, residue mobility, and thermodynamic stability) performed at Invitae indicates that this missense variant is not expected to disrupt RBM20 protein function with a negative predictive value of 95%. In summary, the available evidence is currently insufficient to determine the role of this variant in disease. Therefore, it has been classified as a Variant of Uncertain Significance.

Blueprint Genetics
Classification: Uncertain significance. Last evaluated: 2021-09-09. Review status: criteria provided, single submitter. Criteria: ACMG Guidelines, 2015. Collection method: clinical testing. Allele origin: germline.